The following is an entry in ClinVar:

NM_024589.3(ROGDI):c.319_336+64del

Gene: ROGDI (rogdi atypical leucine zipper; minus strand). Cytogenetic location: 16p13.3.
Variant type: Deletion.
Coding change: c.319_336+64del on transcript NM_024589.3 (MANE Select); coding-DNA position 319 through 64 bases into the intron after coding-DNA position 336, 82 bases deleted.
Molecular consequence: splice donor variant.
Genome position (GRCh38, 1-based): chr16:4,800,434-4,800,515, 82 bases deleted. GRCh37 (hg19): chr16:4,850,436-4,850,517.
Identifiers: ClinVar variation 3725095 (VCV003725095.2).

ClinVar aggregate classification (germline): Likely pathogenic (1 of 4 stars; one submission).

Conditions:
Amelocerebrohypohidrotic syndrome (KTZS). Also called: EPILEPSY AND YELLOW TEETH; EPILEPSY, DEMENTIA, AND AMELOGENESIS IMPERFECTA; KOHLSCHUTTER SYNDROME; Kohlschutter's syndrome. Identifiers: Orphanet 1946, MedGen C0406740, MONDO:0009185, OMIM 226750.

Submission:

Labcorp Genetics (formerly Invitae), Labcorp
Classification: Likely pathogenic for Amelocerebrohypohidrotic syndrome. Last evaluated: 2024-11-12. Review status: criteria provided, single submitter. Criteria: Invitae Variant Classification Sherloc (09022015). Collection method: clinical testing. Allele origin: germline.
Comment: This variant results in the deletion of part of exon 5 (c.319_336+64del) of the ROGDI gene. It is expected to disrupt RNA splicing. Variants that disrupt the donor or acceptor splice site typically lead to a loss of protein function (PMID: 16199547), and loss-of-function variants in ROGDI are known to be pathogenic (PMID: 22424600, 23086778). This variant is not present in population databases (gnomAD no frequency). This variant has not been reported in the literature in individuals affected with ROGDI-related conditions. In summary, the currently available evidence indicates that the variant is pathogenic, but additional data are needed to prove that conclusively. Therefore, this variant has been classified as Likely Pathogenic.

Literature cited by the submitters: PubMed 16199547; PubMed 22424600; PubMed 23086778.